The following is an entry in ClinVar:

NM_000051.4(ATM):c.9070A>C (p.Thr3024Pro)

Genes: ATM (ATM serine/threonine kinase; plus strand), C11orf65 (chromosome 11 open reading frame 65; minus strand). Cytogenetic location: 11q22.3.
Variant type: single nucleotide variant.
Coding change: c.9070A>C on transcript NM_000051.4 (MANE Select); coding-DNA position 9070, A replaced by C.
Protein change: p.Thr3024Pro; replaces threonine 3024 with proline.
Molecular consequence: missense variant. On other transcripts: intron variant (2).
Genome position (GRCh38, 1-based): chr11:108,365,407, A>C. VCF-style: chr11-108365407-A-C. GRCh37 (hg19) VCF-style: chr11-108236134-A-C.
Other names: c.9070A>C, p.Thr3024Pro (NM_001351834.2); c.640+20513T>G (NM_001330368.2); c.694+20513T>G (NM_001351110.2); short protein forms T3024P.
Identifiers: ClinVar variation 141284 (VCV000141284.31), dbSNP rs587781630, ClinGen allele CA164993.
Genomic context (GRCh38, chr11:108,365,407, plus strand): 5'-AAAGTAGCTGAACGTGTCTTAATGAGACTACAAGAGAAACTGAAAGGAGTGGAAGAAGGC[A>C]CTGTGCTCAGTGTTGGTGGACAAGTGAATTTGCTCATACAGCAGGCCATAGACCCCAAAA-3'
Protein context (NP_000042.3, residues 3014-3034): QEKLKGVEEG[Thr3024Pro]VLSVGGQVNL

ClinVar aggregate classification (germline): Uncertain significance. Review status: criteria provided, multiple submitters, no conflicts (2 of 4 stars). 8 submissions from 8 submitters: Uncertain significance (8). Last evaluated 2026-09-15.

Conditions:
Hereditary cancer-predisposing syndrome. Also called: Neoplastic Syndromes, Hereditary; Hereditary Cancer Syndrome; Tumor predisposition; Hereditary neoplastic syndrome. Identifiers: Orphanet 140162, MedGen C0027672, MeSH D009386, MONDO:0015356.
Familial cancer of breast. Also called: BREAST CANCER, FAMILIAL; hereditary breast carcinoma; Hereditary breast cancer. Identifiers: Orphanet 227535, MedGen C0346153, MONDO:0016419, OMIM 114480. Disease mechanism: loss of function.
Ataxia-telangiectasia syndrome (AT). Also called: Ataxia-telangiectasia, complementation group D; AT, COMPLEMENTATION GROUP C; Ataxia-telangiectasia; ATAXIA-TELANGIECTASIA, COMPLEMENTATION GROUP A; ATAXIA-TELANGIECTASIA, FRESNO VARIANT; Ataxia-telangiectasia, complementation group E. Identifiers: Orphanet 100, MedGen C0004135, MONDO:0008840, OMIM 208900.

Allele frequency attached by ClinVar (database versions not stated): ExAC 0.00001.
gnomAD v4.1: 9 of 1,614,210 alleles (0.00056%); highest among the groups gnomAD compares: Non-Finnish European, 0.00068%; no homozygotes.

Submissions (8):

GeneDx
Classification: Uncertain significance. Last evaluated: 2026-09-15. Review status: criteria provided, single submitter. Criteria: GeneDx Variant Classification Process June 2021. Collection method: clinical testing. Allele origin: germline.
Comment: Observed in a patient with breast cancer (PMID: 34326862); In silico analysis supports that this missense variant has a deleterious effect on protein structure/function; Not observed at significant frequency in large population cohorts (gnomAD); This variant is associated with the following publications: (PMID: 28652578, 23532176, 34326862)

Women's Health and Genetics/Laboratory Corporation of America, LabCorp
Classification: Uncertain significance. Last evaluated: 2026-05-15. Review status: criteria provided, single submitter. Criteria: LabCorp Variant Classification Summary - May 2015. Collection method: clinical testing. Allele origin: germline.
Comment: Variant summary: ATM c.9070A>C (p.Thr3024Pro) results in a non-conservative amino acid change in the encoded protein sequence. Algorithms developed to predict the effect of missense changes on protein structure and function are either unavailable or do not agree on the potential impact of this missense change. The variant allele was found at a frequency of 8e-06 in 251458 control chromosomes (gnomAD). The available data on variant occurrences in the general population are insufficient to allow any conclusion about variant significance. c.9070A>C has been observed in one individual affected with breast cancer (Bhai_2021). The report does not provide unequivocal conclusions about association of the variant with disease. To our knowledge, no experimental evidence demonstrating an impact on protein function has been reported. The following publication have been ascertained in the context of this evaluation (PMID: 34326862). ClinVar contains an entry for this variant (Variation ID: 141284). Based on the evidence outlined above, the variant was classified as uncertain significance.

Labcorp Genetics (formerly Invitae), Labcorp
Classification: Uncertain significance for Ataxia-telangiectasia syndrome. Last evaluated: 2026-01-06. Review status: criteria provided, single submitter. Criteria: Invitae Variant Classification Sherloc (09022015). Collection method: clinical testing. Allele origin: germline.
Comment: This sequence change replaces threonine, which is neutral and polar, with proline, which is neutral and non-polar, at codon 3024 of the ATM protein (p.Thr3024Pro). This variant is present in population databases (rs587781630, gnomAD 0.0009%). This missense change has been observed in individual(s) with breast cancer (PMID: 34326862). ClinVar contains an entry for this variant (Variation ID: 141284). Invitae Evidence Modeling of protein sequence and biophysical properties (such as structural, functional, and spatial information, amino acid conservation, physicochemical variation, residue mobility, and thermodynamic stability) indicates that this missense variant is not expected to disrupt ATM protein function with a negative predictive value of 95%. In summary, the available evidence is currently insufficient to determine the role of this variant in disease. Therefore, it has been classified as a Variant of Uncertain Significance.

Ambry Genetics
Classification: Uncertain significance for Hereditary cancer-predisposing syndrome. Last evaluated: 2025-03-12. Review status: criteria provided, single submitter. Criteria: Ambry Variant Classification Scheme 2023. Collection method: clinical testing. Allele origin: germline.
Comment: The p.T3024P variant (also known as c.9070A>C), located in coding exon 62 of the ATM gene, results from an A to C substitution at nucleotide position 9070. The threonine at codon 3024 is replaced by proline, an amino acid with highly similar properties. This amino acid position is well conserved in available vertebrate species. In addition, this alteration is predicted to be tolerated by in silico analysis. Since supporting evidence is limited at this time, the clinical significance of this alteration remains unclear.

Baylor Genetics
Classification: Uncertain significance for Familial cancer of breast. Last evaluated: 2023-12-27. Review status: criteria provided, single submitter. Criteria: ACMG Guidelines, 2015. Collection method: clinical testing. Allele origin: unknown.

Color Diagnostics, LLC DBA Color Health
Classification: Uncertain significance for Hereditary cancer-predisposing syndrome. Last evaluated: 2023-12-05. Review status: criteria provided, single submitter. Criteria: ACMG Guidelines, 2015. Collection method: clinical testing. Allele origin: germline.
Comment: This missense variant replaces threonine with proline at codon 3024 of the ATM protein. Computational prediction suggests that this variant may not impact protein structure and function (internally defined REVEL score threshold <= 0.5, PMID: 27666373). To our knowledge, functional studies have not been reported for this variant. This variant has not been reported in individuals affected with ATM-related disorders in the literature. This variant has been identified in 2/251458 chromosomes in the general population by the Genome Aggregation Database (gnomAD). The available evidence is insufficient to determine the role of this variant in disease conclusively. Therefore, this variant is classified as a Variant of Uncertain Significance.

Sema4
Classification: Uncertain significance for Hereditary cancer-predisposing syndrome. Last evaluated: 2021-10-30. Review status: criteria provided, single submitter. Criteria: Sema4 Curation Guidelines. Collection method: curation. Allele origin: germline.
Comment: The ATM c.9070A>C (p.T3024P) variant has not been reported in the literature to our knowledge. It was observed in 2/113746 chromosomes in the Non-Finnish European subpopulation according to the Genome Aggregation Database (PMID: 32461654). This variant has been reported in ClinVar (Variation ID: 141284). Functional studies have not been performed, and in silico predictions of the variant's effect on protein function are inconclusive. The evidence is insufficient to meet ACMG/AMP criteria for classifying the variant as benign or pathogenic. Thus, the clinical significance of this variant is currently uncertain.

Fulgent Genetics
Classification: Uncertain significance for Familial cancer of breast; Ataxia-telangiectasia syndrome. Last evaluated: 2021-10-26. Review status: criteria provided, single submitter. Criteria: ACMG Guidelines, 2015. Collection method: clinical testing. Allele origin: unknown.

Literature cited by the submitters: PubMed 34326862 (cited by Women's Health and Genetics/Laboratory Corporation of America, LabCorp and Labcorp Genetics (formerly Invitae), Labcorp).